The following is an entry in ClinVar:

ClinVar aggregate classification (germline): Uncertain significance (1 of 4 stars; one submission).

Conditions:
Hereditary cancer-predisposing syndrome. Also called: Neoplastic Syndromes, Hereditary; Tumor predisposition; Hereditary neoplastic syndrome; Hereditary Cancer Syndrome. Identifiers: Orphanet 140162, MedGen C0027672, MeSH D009386, MONDO:0015356.

Submission:

Ambry Genetics
Classification: Uncertain significance for Hereditary cancer-predisposing syndrome. Last evaluated: 2026-07-17. Review status: criteria provided, single submitter. Criteria: Ambry Variant Classification Scheme 2023. Collection method: clinical testing. Allele origin: germline.
Comment: The p.G195R variant (also known as c.583G>C), located in coding exon 3 of the FLCN gene, results from a G to C substitution at nucleotide position 583. The glycine at codon 195 is replaced by arginine, an amino acid with dissimilar properties. This amino acid position is conserved. In addition, the in silico prediction for this alteration is inconclusive. Based on the available evidence, the clinical significance of this variant remains unclear.

NM_144997.7(FLCN):c.583G>C (p.Gly195Arg)

Gene: FLCN (folliculin; minus strand). Cytogenetic location: 17p11.2.
Variant type: single nucleotide variant.
Coding change: c.583G>C on transcript NM_144997.7 (MANE Select); coding-DNA position 583, G replaced by C.
Protein change: p.Gly195Arg; replaces glycine 195 with arginine.
Molecular consequence: missense variant.
Genome position (GRCh38, 1-based): chr17:17,223,957, C>G on the plus strand (G>C on the coding strand, the complement: FLCN is on the minus strand). VCF-style: chr17-17223957-C-G. GRCh37 (hg19) VCF-style: chr17-17127271-C-G.
Other names: c.637G>C, p.Gly213Arg (NM_001353229.2); c.583G>C, p.Gly195Arg (NM_001353230.2, NM_001353231.2, NM_144606.7); short protein forms G195R, G213R.
Identifiers: ClinVar variation 5021859 (VCV005021859.1).